The following is an entry in ClinVar:

ClinVar aggregate classification (germline): Benign. Review status: criteria provided, multiple submitters, no conflicts (2 of 4 stars). 2 submissions from 2 submitters: Benign (2). Last evaluated 2018-06-16.

Allele frequency attached by ClinVar (database versions not stated): 1000 Genomes Project 0.14637; 1000 Genomes Project 30x 0.15100; TOPMed 0.19548; gnomAD 0.19733 and 0.20287; gnomAD exomes 0.21190.

Submissions (2):

GeneDx
Classification: Benign. Last evaluated: 2018-06-16. Review status: criteria provided, single submitter. Criteria: GeneDx Variant Classification (06012015). Collection method: clinical testing. Allele origin: germline. Affected: yes.
Comment: This variant is considered likely benign or benign based on one or more of the following criteria: it is a conservative change, it occurs at a poorly conserved position in the protein, it is predicted to be benign by multiple in silico algorithms, and/or has population frequency not consistent with disease.

Breakthrough Genomics
Classification: Benign. Review status: criteria provided, single submitter. Criteria: ACMG Guidelines, 2015. Collection method: not provided. Allele origin: germline. Inheritance: Autosomal recessive inheritance. Affected: yes.

NM_001082538.3(TCTN1):c.1494+150G>T

Gene: TCTN1 (tectonic family member 1; plus strand). Cytogenetic location: 12q24.11.
Variant type: single nucleotide variant.
Coding change: c.1494+150G>T on transcript NM_001082538.3 (MANE Select); 150 bases into the intron after coding-DNA position 1494, G replaced by T.
Molecular consequence: intron variant.
Genome position (GRCh38, 1-based): chr12:110,645,279, G>T. VCF-style: chr12-110645279-G-T. GRCh37 (hg19) VCF-style: chr12-111083084-G-T.
Other names: c.1326+150G>T (NM_001173975.3); c.1167+150G>T (NM_001173976.2); c.960+150G>T (NM_001319681.2); c.1452+150G>T (NM_024549.6); c.1494+150G>T (NM_001082537.3); c.1347+150G>T (NM_001319680.2).
Identifiers: ClinVar variation 670705 (VCV000670705.2), dbSNP rs3864937, ClinGen allele CA13601831.